The following is an entry in ClinVar:

ClinVar aggregate classification (germline): Uncertain significance. Review status: criteria provided, multiple submitters, no conflicts (2 of 4 stars). 2 submissions from 2 submitters: Uncertain significance (2). Last evaluated 2025-11-30.

Conditions:
Hereditary cancer-predisposing syndrome. Also called: Neoplastic Syndromes, Hereditary; Hereditary neoplastic syndrome; Tumor predisposition; Hereditary Cancer Syndrome. Identifiers: Orphanet 140162, MedGen C0027672, MeSH D009386, MONDO:0015356.
Bloom syndrome (BLM). Also called: Bloom-Torre-Machacek syndrome. Identifiers: Orphanet 125, MedGen C0005859, MONDO:0008876, OMIM 210900.

Allele frequency attached by ClinVar (database versions not stated): gnomAD 0.00001; TOPMed 0.00001.
gnomAD v4.1: 2 of 1,547,356 alleles (0.00013%); highest among the groups gnomAD compares: African/African-American, 0.0028%; no homozygotes.

Submissions (2):

Ambry Genetics
Classification: Uncertain significance for Hereditary cancer-predisposing syndrome. Last evaluated: 2025-11-30. Review status: criteria provided, single submitter. Criteria: Ambry Variant Classification Scheme 2023. Collection method: clinical testing. Allele origin: germline.
Comment: The p.S577G variant (also known as c.1729A>G), located in coding exon 6 of the BLM gene, results from an A to G substitution at nucleotide position 1729. The serine at codon 577 is replaced by glycine, an amino acid with similar properties. This amino acid position is conserved. In addition, this alteration is predicted to be tolerated by in silico analysis. Since supporting evidence is limited at this time, the clinical significance of this alteration remains unclear.

Labcorp Genetics (formerly Invitae), Labcorp
Classification: Uncertain significance for Bloom syndrome. Last evaluated: 2024-02-25. Review status: criteria provided, single submitter. Criteria: Invitae Variant Classification Sherloc (09022015). Collection method: clinical testing. Allele origin: germline.
Comment: This sequence change replaces serine, which is neutral and polar, with glycine, which is neutral and non-polar, at codon 577 of the BLM protein (p.Ser577Gly). This variant is present in population databases (rs761955701, gnomAD 0.007%). This variant has not been reported in the literature in individuals affected with BLM-related conditions. ClinVar contains an entry for this variant (Variation ID: 2482196). Advanced modeling of protein sequence and biophysical properties (such as structural, functional, and spatial information, amino acid conservation, physicochemical variation, residue mobility, and thermodynamic stability) performed at Invitae indicates that this missense variant is not expected to disrupt BLM protein function with a negative predictive value of 80%. In summary, the available evidence is currently insufficient to determine the role of this variant in disease. Therefore, it has been classified as a Variant of Uncertain Significance.

NM_000057.4(BLM):c.1729A>G (p.Ser577Gly)

Gene: BLM (BLM RecQ like helicase; plus strand). Cytogenetic location: 15q26.1.
Variant type: single nucleotide variant.
Coding change: c.1729A>G on transcript NM_000057.4 (MANE Select); coding-DNA position 1729, A replaced by G.
Protein change: p.Ser577Gly; replaces serine 577 with glycine.
Molecular consequence: missense variant.
Genome position (GRCh38, 1-based): chr15:90,761,102, A>G. VCF-style: chr15-90761102-A-G. GRCh37 (hg19) VCF-style: chr15-91304332-A-G.
Other names: c.1729A>G, p.Ser577Gly (NM_001287246.2, NM_001287247.2); c.604A>G, p.Ser202Gly (NM_001287248.2); short protein forms S577G, S202G.
Identifiers: ClinVar variation 2482196 (VCV002482196.5), dbSNP rs761955701, ClinGen allele CA7738579.